The following is an entry in ClinVar:

NM_032387.5(WNK4):c.2718T>C (p.Phe906=)

Gene: WNK4 (WNK lysine deficient protein kinase 4; plus strand). Cytogenetic location: 17q21.2.
Variant type: single nucleotide variant.
Coding change: c.2718T>C on transcript NM_032387.5 (MANE Select); coding-DNA position 2718, T replaced by C.
Protein change: p.Phe906=; no amino-acid change (phenylalanine 906 retained).
Molecular consequence: synonymous variant.
Genome position (GRCh38, 1-based): chr17:42,795,139, T>C. VCF-style: chr17-42795139-T-C. GRCh37 (hg19) VCF-style: chr17-40947157-T-C.
Other names: c.1710T>C, p.Phe570= (NM_001321299.2).
Identifiers: ClinVar variation 64601 (VCV000064601.2), dbSNP rs387907564, ClinGen allele CA216488.

ClinVar aggregate classification (germline): Uncertain significance (0 of 4 stars; one submission).

Submission:

Martin Pollak Laboratory,  Beth Israel Deaconess Medical Center
Classification: Uncertain significance. Review status: no assertion criteria provided. Collection method: not provided. Allele origin: unknown.
Comment: Lower UCa2+ group
ClinVar note: Converted during submission from unknown to Uncertain significance.